The following is an entry in ClinVar:

ClinVar aggregate classification (germline): Uncertain significance. Review status: criteria provided, multiple submitters, no conflicts (2 of 4 stars). 2 submissions from 2 submitters: Uncertain significance (2). Last evaluated 2025-05-19.

Conditions:
Intellectual developmental disorder, autosomal dominant 1. Also called: Intellectual disability, autosomal dominant 1; MBD5 Haploinsufficiency. Identifiers: Orphanet 228402, MedGen C1969562, MONDO:0007974, OMIM 156200.

Allele frequency attached by ClinVar (database versions not stated): gnomAD exomes below 0.00001; TOPMed 0.00001; ExAC 0.00001; gnomAD 0.00001.
gnomAD v4.1: 6 of 1,613,532 alleles (0.00037%); highest among the groups gnomAD compares: African/African-American, 0.004%; no homozygotes.

Submissions (2):

Labcorp Genetics (formerly Invitae), Labcorp
Classification: Uncertain significance for Intellectual developmental disorder, autosomal dominant 1. Last evaluated: 2025-05-19. Review status: criteria provided, single submitter. Criteria: Invitae Variant Classification Sherloc (09022015). Collection method: clinical testing. Allele origin: germline.
Comment: This sequence change replaces alanine, which is neutral and non-polar, with valine, which is neutral and non-polar, at codon 143 of the MBD5 protein (p.Ala143Val). The frequency data for this variant in the population databases is considered unreliable, as metrics indicate poor data quality at this position in the gnomAD database. This variant has not been reported in the literature in individuals affected with MBD5-related conditions. ClinVar contains an entry for this variant (Variation ID: 946331). Invitae Evidence Modeling of protein sequence and biophysical properties (such as structural, functional, and spatial information, amino acid conservation, physicochemical variation, residue mobility, and thermodynamic stability) indicates that this missense variant is not expected to disrupt MBD5 protein function with a negative predictive value of 80%. In summary, the available evidence is currently insufficient to determine the role of this variant in disease. Therefore, it has been classified as a Variant of Uncertain Significance.

Revvity Omics, Revvity
Classification: Uncertain significance. Last evaluated: 2024-07-31. Review status: criteria provided, single submitter. Criteria: ACMG Guidelines, 2015. Collection method: clinical testing. Allele origin: germline.

NM_001378120.1(MBD5):c.428C>T (p.Ala143Val)

Gene: MBD5 (methyl-CpG binding domain protein 5; plus strand). Cytogenetic location: 2q23.1.
Variant type: single nucleotide variant.
Coding change: c.428C>T on transcript NM_001378120.1 (MANE Select); coding-DNA position 428, C replaced by T.
Protein change: p.Ala143Val; replaces alanine 143 with valine.
Molecular consequence: missense variant.
Genome position (GRCh38, 1-based): chr2:148,468,371, C>T. VCF-style: chr2-148468371-C-T. GRCh37 (hg19) VCF-style: chr2-149225940-C-T.
Other names: c.428C>T, p.Ala143Val (NM_018328.5); short protein forms A143V.
Identifiers: ClinVar variation 946331 (VCV000946331.11), dbSNP rs750151785, ClinGen allele CA1899885.
Genomic context (GRCh38, chr2:148,468,371, plus strand): 5'-ACAGAATTCTTTTTTTCTCTTTCACATCAGATGCAACTCCAGTAGTACCTTCTCGGGCAG[C>T]AACTCCAAGATCAGTAAGAAATAAGTCTCATGAAGGAATTACAAATTCTGTAATGCCTGA-3'
Protein context (NP_001365049.1, residues 133-153): NATPVVPSRA[Ala143Val]TPRSVRNKSH